The following is an entry in ClinVar:

ClinVar aggregate classification (germline): Uncertain significance (1 of 4 stars; one submission).

Conditions:
Hereditary spastic paraplegia 7 (SPG7). Also called: SPG7-related neurologic disorder; Autosomal recessive spastic paraplegia type 7; Spastic paraplegia 7; Hereditary spastic paraplegia Paraplegin type; SPASTIC PARAPLEGIA 7, AUTOSOMAL RECESSIVE, WITH OR WITHOUT CEREBELLAR ATAXIA. Identifiers: Orphanet 99013, MedGen C1846564, MONDO:0011803, OMIM 607259.

Allele frequency attached by ClinVar (database versions not stated): TOPMed below 0.00001.

Submission:

Labcorp Genetics (formerly Invitae), Labcorp
Classification: Uncertain significance for Hereditary spastic paraplegia 7. Last evaluated: 2024-01-24. Review status: criteria provided, single submitter. Criteria: Invitae Variant Classification Sherloc (09022015). Collection method: clinical testing. Allele origin: germline.
Comment: This sequence change replaces serine, which is neutral and polar, with arginine, which is basic and polar, at codon 62 of the SPG7 protein (p.Ser62Arg). This variant is not present in population databases (gnomAD no frequency). This variant has not been reported in the literature in individuals affected with SPG7-related conditions. ClinVar contains an entry for this variant (Variation ID: 2001977). Algorithms developed to predict the effect of missense changes on protein structure and function output the following: SIFT: "Not Available"; PolyPhen-2: "Benign"; Align-GVGD: "Not Available". The arginine amino acid residue is found in multiple mammalian species, which suggests that this missense change does not adversely affect protein function. In summary, the available evidence is currently insufficient to determine the role of this variant in disease. Therefore, it has been classified as a Variant of Uncertain Significance.

NM_003119.4(SPG7):c.184A>C (p.Ser62Arg)

Gene: SPG7 (SPG7 matrix AAA peptidase subunit, paraplegin; plus strand). Cytogenetic location: 16q24.3.
Variant type: single nucleotide variant.
Coding change: c.184A>C on transcript NM_003119.4 (MANE Select); coding-DNA position 184, A replaced by C.
Protein change: p.Ser62Arg; replaces serine 62 with arginine.
Molecular consequence: missense variant.
Genome position (GRCh38, 1-based): chr16:89,510,490, A>C. VCF-style: chr16-89510490-A-C. GRCh37 (hg19) VCF-style: chr16-89576898-A-C.
Other names: c.184A>C, p.Ser62Arg (NM_001363850.1, NM_199367.3); short protein forms S62R.
Identifiers: ClinVar variation 2001977 (VCV002001977.4), dbSNP rs1488874238, ClinGen allele CA397416727.